The following is an entry in ClinVar:

ClinVar aggregate classification (germline): Uncertain significance (1 of 4 stars; one submission).

Submission:

Labcorp Genetics (formerly Invitae), Labcorp
Classification: Uncertain significance. Last evaluated: 2025-04-11. Review status: criteria provided, single submitter. Criteria: Invitae Variant Classification Sherloc (09022015). Collection method: clinical testing. Allele origin: germline.
Comment: This sequence change replaces alanine, which is neutral and non-polar, with glycine, which is neutral and non-polar, at codon 764 of the ABCB6 protein (p.Ala764Gly). This variant is not present in population databases (gnomAD no frequency). This variant has not been reported in the literature in individuals affected with ABCB6-related conditions. An algorithm developed to predict the effect of missense changes on protein structure and function (PolyPhen-2) suggests that this variant is likely to be tolerated. In summary, the available evidence is currently insufficient to determine the role of this variant in disease. Therefore, it has been classified as a Variant of Uncertain Significance.

NM_005689.4(ABCB6):c.2291C>G (p.Ala764Gly)

Gene: ABCB6 (ATP binding cassette subfamily B member 6 (LAN blood group); minus strand). Cytogenetic location: 2q35.
Variant type: single nucleotide variant.
Coding change: c.2291C>G on transcript NM_005689.4 (MANE Select); coding-DNA position 2291, C replaced by G.
Protein change: p.Ala764Gly; replaces alanine 764 with glycine.
Molecular consequence: missense variant.
Genome position (GRCh38, 1-based): chr2:219,210,441, G>C on the plus strand (C>G on the coding strand, the complement: ABCB6 is on the minus strand). VCF-style: chr2-219210441-G-C. GRCh37 (hg19) VCF-style: chr2-220075163-G-C.
Other names: c.2153C>G, p.Ala718Gly (NM_001349828.2); short protein forms A718G, A764G.
Identifiers: ClinVar variation 4693008 (VCV004693008.1).